The following is an entry in ClinVar:

ClinVar aggregate classification (germline): Likely pathogenic (1 of 4 stars; one submission).

Conditions:
Fabry disease. Also called: ALPHA-GALACTOSIDASE A DEFICIENCY; ANDERSON-FABRY DISEASE; CERAMIDE TRIHEXOSIDASE DEFICIENCY; GLA DEFICIENCY; HEREDITARY DYSTOPIC LIPIDOSIS; Angiokeratoma corporis diffusum. Identifiers: Orphanet 324, MedGen C0002986, MONDO:0010526, OMIM 301500, HP:0001071. Disease mechanism: Fabry disease is due to inactivating mutations in the X-linked GLA gene resulting in deficiency of the enzyme Alpha Galactosidase-A., loss of function.

Submission:

Genomenon, Inc
Classification: Likely pathogenic for Fabry disease. Last evaluated: 2026-09-08. Review status: criteria provided, single submitter. Criteria: Genomenon Sequence Variant Interpretation Standards - Updated. Collection method: curation. Allele origin: germline. Affected: yes.
Comment: GLA p.Ala73Glu (c.218C>A) is a missense variant that changes the amino acid at codon 73 from Alanine to Glutamic acid. This variant has been observed in at least one proband with clinical features consistent with Fabry disease (PMID:36165155;22563919). At least one functional study has demonstrated a substantial alteration in protein function relative to the wild-type (PMID:27657681). It is absent or not present at a significant frequency in gnomAD. In silico models predict that this variant is possibly or probably damaging. In conclusion, we classify GLA p.Ala73Glu (c.218C>A) as a likely pathogenic variant.

Literature cited by the submitters: PubMed 36165155; PubMed 22563919; PubMed 27657681.

NM_000169.3(GLA):c.218C>A (p.Ala73Glu)

Genes: GLA (galactosidase alpha; minus strand), RPL36A-HNRNPH2 (RPL36A-HNRNPH2 readthrough; plus strand). Cytogenetic location: Xq22.1.
Variant type: single nucleotide variant.
Coding change: c.218C>A on transcript NM_000169.3 (MANE Select); coding-DNA position 218, C replaced by A.
Protein change: p.Ala73Glu; replaces alanine 73 with glutamic acid.
Molecular consequence: missense variant. On other transcripts: non-coding transcript variant (3), intron variant (2).
Genome position (GRCh38, 1-based): chrX:101,403,962, G>T on the plus strand (C>A on the coding strand, the complement: GLA is on the minus strand). VCF-style: chrX-101403962-G-T. GRCh37 (hg19) VCF-style: chrX-100658950-G-T.
Other names: c.341C>A, p.Ala114Glu (NM_001406747.1, NM_001406749.1); c.218C>A, p.Ala73Glu (NM_001406748.1); c.301-7974G>T (NM_001199973.2); c.178-7974G>T (NM_001199974.2); short protein forms A114E, A73E.
Identifiers: ClinVar variation 4087306 (VCV004087306.2).